The following is an entry in ClinVar:

ClinVar aggregate classification (germline): Pathogenic (1 of 4 stars; one submission).

Conditions:
SCN2A-related disorder. Also called: SCN2A-related condition; SCN2A-related disorders. Identifiers: MedGen CN382226, MONDO:1060245.

Submission:

Molecular Genetics Laboratory, Motol Hospital
Classification: Pathogenic for SCN2A-related disorder. Last evaluated: 2024-12-06. Review status: criteria provided, single submitter. Criteria: ACMG Guidelines, 2015. Collection method: clinical testing. Allele origin: de novo. Affected: yes. Observed: 1 variant allele.
Comment: The variant was confirmed to be of a de novo origin. Rare truncating loss-of-function variants affecting the SCN2A gene are documented as a molecular cause of a complex neurodevelopmental disorder (intellectual disability, autism, speech abnormality) (PMID:38651838, 34894057, 35348308, 15028761). To conclude, the variant is classified as pathogenic (ACMG PVS1, PM2, PS2).

Literature cited by the submitters: PubMed 38651838; PubMed 34894057; PubMed 35348308; PubMed 15028761.

NM_001040142.2(SCN2A):c.2185_2186insAT (p.Trp729fs)

Gene: SCN2A (sodium voltage-gated channel alpha subunit 2; plus strand). Cytogenetic location: 2q24.3.
Variant type: Insertion.
Coding change: c.2185_2186insAT on transcript NM_001040142.2 (MANE Select); coding-DNA positions 2185 to 2186, AT inserted.
Protein change: p.Trp729fs; shifts the reading frame from tryptophan 729.
Molecular consequence: frameshift variant.
Genome position: GRCh38 VCF-style: chr2-165331364-C-CTA. GRCh37 (hg19) VCF-style: chr2-166187874-C-CTA.
Other names: c.2185_2186insAT, p.Trp729fs (NM_001040143.2, NM_001371246.1, NM_001371247.1 and 1 more transcripts); short protein forms W729fs.
Identifiers: ClinVar variation 3383972 (VCV003383972.2).